The following is an entry in ClinVar:

ClinVar aggregate classification (germline): Uncertain significance (1 of 4 stars; one submission).

Conditions:
Hypertrophic cardiomyopathy 26. Also called: Cardiomyopathy, familial hypertrophic, 26. Identifiers: Orphanet 75249, MedGen C4310749, MONDO:0014883, OMIM 617047.
Myofibrillar myopathy 5. Also called: Filaminopathy (type); FILAMINOPATHY, AUTOSOMAL DOMINANT. Identifiers: Orphanet 171445, MedGen C1836050, MONDO:0012289, OMIM 609524.
Distal myopathy with posterior leg and anterior hand involvement. Also called: WILLIAMS DISTAL MYOPATHY. Identifiers: Orphanet 63273, MedGen C3279722, MONDO:0013550, OMIM 614065.

Submission:

Labcorp Genetics (formerly Invitae), Labcorp
Classification: Uncertain significance for Distal myopathy with posterior leg and anterior hand involvement; Myofibrillar myopathy 5; Hypertrophic cardiomyopathy 26. Last evaluated: 2024-12-10. Review status: criteria provided, single submitter. Criteria: Invitae Variant Classification Sherloc (09022015). Collection method: clinical testing. Allele origin: germline.
Comment: This sequence change replaces alanine, which is neutral and non-polar, with serine, which is neutral and polar, at codon 1378 of the FLNC protein (p.Ala1378Ser). This variant is not present in population databases (gnomAD no frequency). This variant has not been reported in the literature in individuals affected with FLNC-related conditions. ClinVar contains an entry for this variant (Variation ID: 2932889). Invitae Evidence Modeling of protein sequence and biophysical properties (such as structural, functional, and spatial information, amino acid conservation, physicochemical variation, residue mobility, and thermodynamic stability) has been performed for this missense variant. However, the output from this modeling did not meet the statistical confidence thresholds required to predict the impact of this variant on FLNC protein function. In summary, the available evidence is currently insufficient to determine the role of this variant in disease. Therefore, it has been classified as a Variant of Uncertain Significance.

NM_001458.5(FLNC):c.4132G>T (p.Ala1378Ser)

Gene: FLNC (filamin C; plus strand). Cytogenetic location: 7q32.1.
Variant type: single nucleotide variant.
Coding change: c.4132G>T on transcript NM_001458.5 (MANE Select); coding-DNA position 4132, G replaced by T.
Protein change: p.Ala1378Ser; replaces alanine 1378 with serine.
Molecular consequence: missense variant.
Genome position (GRCh38, 1-based): chr7:128,846,749, G>T. VCF-style: chr7-128846749-G-T. GRCh37 (hg19) VCF-style: chr7-128486803-G-T.
Other names: c.4132G>T, p.Ala1378Ser (NM_001127487.2); short protein forms A1378S.
Identifiers: ClinVar variation 2932889 (VCV002932889.3), dbSNP rs2536643455, ClinGen allele CA369200330.